The following is an entry in ClinVar:

ClinVar aggregate classification (germline): Uncertain significance. Review status: criteria provided, multiple submitters, no conflicts (2 of 4 stars). 2 submissions from 2 submitters: Uncertain significance (2). Last evaluated 2024-12-09.

Conditions:
Hereditary cancer-predisposing syndrome. Also called: Hereditary Cancer Syndrome; Hereditary neoplastic syndrome; Neoplastic Syndromes, Hereditary; Tumor predisposition. Identifiers: Orphanet 140162, MedGen C0027672, MeSH D009386, MONDO:0015356.
Cardiovascular phenotype. Identifiers: MedGen CN230736.

Allele frequency attached by ClinVar (database versions not stated): gnomAD exomes 0.00001; TOPMed 0.00002; ExAC 0.00003; ESP Exome Variant Server 0.00008.
gnomAD v4.1: 12 of 1,603,726 alleles (0.00075%); highest among the groups gnomAD compares: Non-Finnish European, 0.00085%; no homozygotes.

Submissions (2):

Ambry Genetics
Classification: Uncertain significance for Cardiovascular phenotype; Hereditary cancer-predisposing syndrome. Last evaluated: 2024-12-09. Review status: criteria provided, single submitter. Criteria: Ambry Variant Classification Scheme 2023. Collection method: clinical testing. Allele origin: germline.
Comment: The p.P279L variant (also known as c.836C>T), located in coding exon 9 of the LZTR1 gene, results from a C to T substitution at nucleotide position 836. The proline at codon 279 is replaced by leucine, an amino acid with similar properties. This amino acid position is highly conserved in available vertebrate species. In addition, the in silico prediction for this alteration is inconclusive. Based on the available evidence, the clinical significance of this variant remains unclear.

Labcorp Genetics (formerly Invitae), Labcorp
Classification: Uncertain significance. Last evaluated: 2021-04-23. Review status: criteria provided, single submitter. Criteria: Invitae Variant Classification Sherloc (09022015). Collection method: clinical testing. Allele origin: germline.
Comment: This variant has not been reported in the literature in individuals with LZTR1-related conditions. In summary, the available evidence is currently insufficient to determine the role of this variant in disease. Therefore, it has been classified as a Variant of Uncertain Significance. Algorithms developed to predict the effect of missense changes on protein structure and function are either unavailable or do not agree on the potential impact of this missense change (SIFT: "Deleterious"; PolyPhen-2: "Possibly Damaging"; Align-GVGD: "Class C15"). This variant is present in population databases (rs373707826, ExAC 0.006%). This sequence change replaces proline with leucine at codon 279 of the LZTR1 protein (p.Pro279Leu). The proline residue is highly conserved and there is a moderate physicochemical difference between proline and leucine.

NM_006767.4(LZTR1):c.836C>T (p.Pro279Leu)

Gene: LZTR1 (leucine zipper like post translational regulator 1; plus strand). Cytogenetic location: 22q11.21.
Variant type: single nucleotide variant.
Coding change: c.836C>T on transcript NM_006767.4 (MANE Select); coding-DNA position 836, C replaced by T.
Protein change: p.Pro279Leu; replaces proline 279 with leucine.
Molecular consequence: missense variant.
Genome position (GRCh38, 1-based): chr22:20,991,672, C>T. VCF-style: chr22-20991672-C-T. GRCh37 (hg19) VCF-style: chr22-21345961-C-T.
Other names: short protein forms P279L.
Identifiers: ClinVar variation 1446687 (VCV001446687.11), dbSNP rs373707826, ClinGen allele CA10118647.